The following is an entry in ClinVar:

NM_004415.4(DSP):c.7307A>T (p.Asp2436Val)

Gene: DSP (desmoplakin; plus strand). Cytogenetic location: 6p24.3.
Variant type: single nucleotide variant.
Coding change: c.7307A>T on transcript NM_004415.4 (MANE Select); coding-DNA position 7307, A replaced by T.
Protein change: p.Asp2436Val; replaces aspartic acid 2436 with valine.
Molecular consequence: missense variant.
Genome position (GRCh38, 1-based): chr6:7,584,569, A>T. VCF-style: chr6-7584569-A-T. GRCh37 (hg19) VCF-style: chr6-7584802-A-T.
Other names: c.5510A>T, p.Asp1837Val (NM_001008844.3); c.5978A>T, p.Asp1993Val (NM_001319034.2); short protein forms D2436V, D1993V, D1837V.
Identifiers: ClinVar variation 2935833 (VCV002935833.4), dbSNP rs752175414, ClinGen allele CA362692713.

ClinVar aggregate classification (germline): Conflicting classifications of pathogenicity. Review status: criteria provided, conflicting classifications (1 of 4 stars). 2 submissions from 2 submitters: Uncertain significance (1); Likely benign (1). Last evaluated 2026-06-06.

Conditions:
Cardiovascular phenotype. Identifiers: MedGen CN230736.
Arrhythmogenic cardiomyopathy with wooly hair and keratoderma. Also called: Arrhythmogenic cardiomyopathy with woolly hair and keratoderma; PALMOPLANTAR KERATODERMA WITH LEFT VENTRICULAR CARDIOMYOPATHY AND WOOLLY HAIR; Carvajal syndrome; Dilated cardiomyopathy with woolly hair and keratoderma. Identifiers: Orphanet 65282, MedGen C1854063, MONDO:0011581, OMIM 605676.
Arrhythmogenic right ventricular dysplasia 8 (ARVD8). Also called: Arrhythmogenic Right Ventricular Dysplasia/Cardiomyopathy 8; ARRHYTHMOGENIC RIGHT VENTRICULAR DYSPLASIA, FAMILIAL, 8; ARRHYTHMOGENIC RIGHT VENTRICULAR CARDIOMYOPATHY 8. Identifiers: MedGen C1843896, MONDO:0011831, OMIM 607450.

Allele frequency attached by ClinVar (database versions not stated): gnomAD exomes below 0.00001.
gnomAD v4.1: 1 of 1,614,080 alleles (0.000062%); highest among the groups gnomAD compares: South Asian, 0.0011%; no homozygotes.

Submissions (2):

Ambry Genetics
Classification: Uncertain significance for Cardiovascular phenotype. Last evaluated: 2026-06-06. Review status: criteria provided, single submitter. Criteria: Ambry Variant Classification Scheme 2023. Collection method: clinical testing. Allele origin: germline.
Comment: The p.D2436V variant (also known as c.7307A>T), located in coding exon 24 of the DSP gene, results from an A to T substitution at nucleotide position 7307. The aspartic acid at codon 2436 is replaced by valine, an amino acid with highly dissimilar properties. This amino acid position is conserved. In addition, this alteration is predicted to be deleterious by in silico analysis. Based on the available evidence, the clinical significance of this variant remains unclear.

Labcorp Genetics (formerly Invitae), Labcorp
Classification: Likely benign for Arrhythmogenic cardiomyopathy with wooly hair and keratoderma; Arrhythmogenic right ventricular dysplasia 8. Last evaluated: 2023-01-26. Review status: criteria provided, single submitter. Criteria: Invitae Variant Classification Sherloc (09022015). Collection method: clinical testing. Allele origin: germline.